The following is an entry in ClinVar:

NM_001200049.3(CFAP46):c.2493G>A (p.Ala831=)

Gene: CFAP46 (cilia and flagella associated protein 46; minus strand). Cytogenetic location: 10q26.3.
Variant type: single nucleotide variant.
Coding change: c.2493G>A on transcript NM_001200049.3 (MANE Select); coding-DNA position 2493, G replaced by A.
Protein change: p.Ala831=; no amino-acid change (alanine 831 retained).
Molecular consequence: synonymous variant.
Genome position (GRCh38, 1-based): chr10:132,912,661, C>T on the plus strand (G>A on the coding strand, the complement: CFAP46 is on the minus strand). VCF-style: chr10-132912661-C-T. GRCh37 (hg19) VCF-style: chr10-134726165-C-T.
Identifiers: ClinVar variation 2640992 (VCV002640992.24), dbSNP rs201445318, ClinGen allele CA5757794.

ClinVar aggregate classification (germline): Likely benign (1 of 4 stars; one submission).

Allele frequency attached by ClinVar (database versions not stated): TOPMed 0.00025; gnomAD 0.00027; gnomAD exomes 0.00043; 1000 Genomes Project 30x 0.00109; 1000 Genomes Project 0.00140; ExAC 0.00175.
gnomAD v4.1: 653 of 1,547,412 alleles (0.042%); highest among the groups gnomAD compares: South Asian, 0.48%; 12 homozygotes.

Submission:

CeGaT Center for Human Genetics Tuebingen
Classification: Likely benign. Last evaluated: 2022-04-01. Review status: criteria provided, single submitter. Criteria: CeGaT Center For Human Genetics Tuebingen Variant Classification Criteria Version 2. Collection method: clinical testing. Allele origin: germline. Affected: yes. Observed: 1 variant allele.
Comment: CFAP46: BP4, BP7